The following is an entry in ClinVar:

ClinVar aggregate classification (germline): Pathogenic (1 of 4 stars; one submission).

Conditions:
Long QT syndrome 2 (LQT2). Identifiers: Orphanet 101016, Orphanet 768, MedGen C3150943, MONDO:0013367, OMIM 613688.

Submission:

Victorian Clinical Genetics Services, Murdoch Childrens Research Institute
Classification: Pathogenic for Long QT syndrome 2. Last evaluated: 2022-02-02. Review status: criteria provided, single submitter. Criteria: ACMG Guidelines, 2015. Collection method: clinical testing. Allele origin: germline. Inheritance: Autosomal dominant inheritance.
Comment: Based on the classification scheme VCGS_Germline_v1.1.1, this variant is classified as pathogenic. Following criteria are met: 0102 - Loss-of-function is a known mechanism of disease for this gene. (N) 0107 - This gene is known to be associated with autosomal dominant disease. (N) 0201 - This deletion insertion variant is located in exon 7 of 15 and is predicted to cause nonsense-mediated decay (NMD) and loss of protein. (P) 0251 - Variant is heterozygous. (N) 0301 - Variant is absent from gnomAD. (P) 0701 - Comparable NMD predicted variants have very strong previous evidence for pathogenicity, and have been reported in multiple patients with Long QT syndrome (Decipher, ClinVar). (P) 0807 - Variant has not previously been reported in a clinical context. (N) 0905 - No segregation evidence has been identified for this variant. (N) 1007 - No published functional evidence has been identified for this variant. (N) 1208 - Inheritance information for this variant is not currently available. (N) Legend: (P) - Pathogenic, (N) - Neutral, (B) - Benign

NM_000238.4(KCNH2):c.1804_1817delinsAAGTATGTAT (p.Leu602fs)

Gene: KCNH2 (potassium voltage-gated channel subfamily H member 2; minus strand). Cytogenetic location: 7q36.1.
Variant type: Indel.
Coding change: c.1804_1817delinsAAGTATGTAT on transcript NM_000238.4 (MANE Select); coding-DNA positions 1804 to 1817, CTGGGCGGCCCCTC replaced by AAGTATGTAT.
Protein change: p.Leu602fs; shifts the reading frame from leucine 602.
Molecular consequence: frameshift variant. On other transcripts: non-coding transcript variant (2).
Genome position (GRCh38, 1-based): chr7:150,951,576-150,951,589, GAGGGGCCGCCCAG replaced by ATACATACTT on the plus strand (CTGGGCGGCCCCTC replaced by AAGTATGTAT on the coding strand, the reverse complement: KCNH2 is on the minus strand). VCF-style: chr7-150951576-GAGGGGCCGCCCAG-ATACATACTT. GRCh37 (hg19) VCF-style: chr7-150648664-GAGGGGCCGCCCAG-ATACATACTT.
Other names: c.1804_1817delCTGGGCGGCCCCTCinsAAGTATGTAT, p.Leu602Lysfs (NM_000238.3); c.784_797delinsAAGTATGTAT, p.Leu262fs (NM_001204798.2, NM_172057.3); c.1516_1529delinsAAGTATGTAT, p.Leu506fs (NM_001406753.1, NM_001406756.1); c.1627_1640delinsAAGTATGTAT, p.Leu543fs (NM_001406755.1); c.1504_1517delinsAAGTATGTAT, p.Leu502fs (NM_001406757.1); c.1804_1817delinsAAGTATGTAT, p.Leu602fs (NM_172056.3); short protein forms L262fs, L502fs, L506fs, L543fs, L602fs.
Identifiers: ClinVar variation 3254651 (VCV003254651.2), dbSNP rs2486037302.